The following is an entry in ClinVar:

ClinVar aggregate classification (germline): Uncertain significance (1 of 4 stars; one submission).

Conditions:
Hereditary cancer-predisposing syndrome. Also called: Neoplastic Syndromes, Hereditary; Tumor predisposition; Hereditary neoplastic syndrome; Hereditary Cancer Syndrome. Identifiers: Orphanet 140162, MedGen C0027672, MeSH D009386, MONDO:0015356.

Submission:

Labcorp Genetics (formerly Invitae), Labcorp
Classification: Uncertain significance for Hereditary cancer-predisposing syndrome. Last evaluated: 2023-06-16. Review status: criteria provided, single submitter. Criteria: Invitae Variant Classification Sherloc (09022015). Collection method: clinical testing. Allele origin: germline.
Comment: In summary, the available evidence is currently insufficient to determine the role of this variant in disease. Therefore, it has been classified as a Variant of Uncertain Significance. Advanced modeling of protein sequence and biophysical properties (such as structural, functional, and spatial information, amino acid conservation, physicochemical variation, residue mobility, and thermodynamic stability) performed at Invitae indicates that this missense variant is not expected to disrupt RAD50 protein function. This variant has not been reported in the literature in individuals affected with RAD50-related conditions. This variant is not present in population databases (gnomAD no frequency). This sequence change replaces phenylalanine, which is neutral and non-polar, with leucine, which is neutral and non-polar, at codon 28 of the RAD50 protein (p.Phe28Leu).

NM_005732.4(RAD50):c.84C>A (p.Phe28Leu)

Gene: RAD50 (RAD50 double strand break repair protein; plus strand). Cytogenetic location: 5q31.1.
Variant type: single nucleotide variant.
Coding change: c.84C>A on transcript NM_005732.4 (MANE Select); coding-DNA position 84, C replaced by A.
Protein change: p.Phe28Leu; replaces phenylalanine 28 with leucine.
Molecular consequence: missense variant.
Genome position (GRCh38, 1-based): chr5:132,557,408, C>A. VCF-style: chr5-132557408-C-A. GRCh37 (hg19) VCF-style: chr5-131893100-C-A.
Other names: short protein forms F28L.
Identifiers: ClinVar variation 3012773 (VCV003012773.3), dbSNP rs2149830144, ClinGen allele CA360951513.